The following is an entry in ClinVar:

NM_207506.3(SAMD12):c.218C>T (p.Pro73Leu)

Genes: SAMD12 (sterile alpha motif domain containing 12; minus strand), LOC126860479 (P300/CBP strongly-dependent group 1 enhancer GRCh37_chr8:119451504-119452703; plus strand). Cytogenetic location: 8q24.12.
Variant type: single nucleotide variant.
Coding change: c.218C>T on transcript NM_207506.3 (MANE Select); coding-DNA position 218, C replaced by T.
Protein change: p.Pro73Leu; replaces proline 73 with leucine.
Molecular consequence: missense variant. On other transcripts: non-coding transcript variant (2).
Genome position (GRCh38, 1-based): chr8:118,439,936, G>A on the plus strand (C>T on the coding strand, the complement: SAMD12 is on the minus strand). VCF-style: chr8-118439936-G-A. GRCh37 (hg19) VCF-style: chr8-119452175-G-A.
Other names: c.218C>T, p.Pro73Leu (NM_001101676.2, NM_001349811.2, NM_001363274.2); c.218C>T (NM_207506.2); short protein forms P73L.
Identifiers: ClinVar variation 3363918 (VCV003363918.2).
Genomic context (GRCh38, chr8:118,439,936, plus strand): 5'-TGATTCGGACAATGTTTCTTCAACCACTTGCAGACATCCTGCTGGGTCCATAGAGCCACC[G>A]GTTTAGATAGCTTCACCGTAGCTGACTATAAATAAAGAAGGAAGATCTGTCAATGCTGGC-3'
Protein context (NP_997389.2, residues 63-83): AKSATVKLSK[Pro73Leu]VALWTQQDVC

ClinVar aggregate classification (germline): Uncertain significance. Review status: criteria provided, multiple submitters, no conflicts (2 of 4 stars). 2 submissions from 2 submitters: Uncertain significance (2). Last evaluated 2025-06-18.

Conditions:
Inborn genetic diseases. Identifiers: MedGen C0950123, MeSH D030342.

gnomAD v4.1: 8 of 1,613,620 alleles (0.0005%); highest among the groups gnomAD compares: East Asian, 0.0022%; no homozygotes.

Submissions (2):

Ambry Genetics
Classification: Uncertain significance for Inborn genetic diseases. Last evaluated: 2025-06-18. Review status: criteria provided, single submitter. Criteria: Ambry Variant Classification Scheme 2023. Collection method: clinical testing. Allele origin: germline.

GeneDx
Classification: Uncertain significance. Last evaluated: 2023-11-11. Review status: criteria provided, single submitter. Criteria: GeneDx Variant Classification Process June 2021. Collection method: clinical testing. Allele origin: germline. Affected: yes.
Comment: Not observed at significant frequency in large population cohorts (gnomAD); In silico analysis supports that this missense variant has a deleterious effect on protein structure/function; Has not been previously published as pathogenic or benign to our knowledge